The following is an entry in ClinVar:

NM_000501.4(ELN):c.1358-216C>A

Gene: ELN (elastin; plus strand). Cytogenetic location: 7q11.23.
Variant type: single nucleotide variant.
Coding change: c.1358-216C>A on transcript NM_000501.4 (MANE Select); 216 bases into the intron before coding-DNA position 1358, C replaced by A.
Molecular consequence: intron variant. On other transcripts: missense variant (1).
Genome position (GRCh38, 1-based): chr7:74,057,424, C>A. VCF-style: chr7-74057424-C-A. GRCh37 (hg19) VCF-style: chr7-73471754-C-A.
Other names: c.1400C>A, p.Ala467Asp (NM_001278939.2); c.1373-216C>A (NM_001081754.3); c.1372+711C>A (NM_001081753.3); c.1358-216C>A (NM_001278915.2, NM_001278912.2); c.1357+711C>A (NM_001081755.3); c.1315+711C>A (NM_001278916.2); c.1171+711C>A (NM_001278913.2); c.1342+711C>A (NM_001278914.2); and 3 more; short protein forms A467D.
Identifiers: ClinVar variation 2068146 (VCV002068146.4), dbSNP rs1168174631, ClinGen allele CA367882464.
Genomic context (GRCh38, chr7:74,057,424, plus strand): 5'-AGTTCTCCACTCCCCGAGGTGCTGCAGGAGCAGGAGTGCTGGGTGGGCTAGTGCCAGGTG[C>A]CCCAGGCGCAGTCCCAGGTGTGCCGGGCACGGGAGGAGTGCCAGGTGAGCTGTGTCTCCA-3'

ClinVar aggregate classification (germline): Uncertain significance (1 of 4 stars; one submission).

Conditions:
Supravalvar aortic stenosis (SVAS). Also called: Supravalvar aortic stenosis, Eisenberg type. Identifiers: Orphanet 3193, MedGen C0003499, MONDO:0008504, OMIM 185500, HP:0004381.

Allele frequency attached by ClinVar (database versions not stated): TOPMed below 0.00001; gnomAD 0.00001.

Submission:

Labcorp Genetics (formerly Invitae), Labcorp
Classification: Uncertain significance for Supravalvar aortic stenosis. Last evaluated: 2025-05-27. Review status: criteria provided, single submitter. Criteria: Invitae Variant Classification Sherloc (09022015). Collection method: clinical testing. Allele origin: germline.
Comment: This sequence change replaces alanine, which is neutral and non-polar, with aspartic acid, which is acidic and polar, at codon 467 of the ELN protein (p.Ala467Asp). This variant is not present in population databases (gnomAD no frequency). This variant has not been reported in the literature in individuals affected with ELN-related conditions. ClinVar contains an entry for this variant (Variation ID: 2068146). Invitae Evidence Modeling of protein sequence and biophysical properties (such as structural, functional, and spatial information, amino acid conservation, physicochemical variation, residue mobility, and thermodynamic stability) indicates that this missense variant is not expected to disrupt ELN protein function with a negative predictive value of 80%. In summary, the available evidence is currently insufficient to determine the role of this variant in disease. Therefore, it has been classified as a Variant of Uncertain Significance.